The following is an entry in ClinVar:

NM_007289.4(MME):c.2218T>C (p.Tyr740His)

Gene: MME (membrane metalloendopeptidase; plus strand). Cytogenetic location: 3q25.2.
Variant type: single nucleotide variant.
Coding change: c.2218T>C on transcript NM_007289.4 (MANE Select); coding-DNA position 2218, T replaced by C.
Protein change: p.Tyr740His; replaces tyrosine 740 with histidine.
Molecular consequence: missense variant.
Genome position (GRCh38, 1-based): chr3:155,180,424, T>C. VCF-style: chr3-155180424-T-C. GRCh37 (hg19) VCF-style: chr3-154898213-T-C.
Other names: c.2218T>C, p.Tyr740His (NM_000902.5, NM_001354642.2, NM_001354643.1 and 2 more transcripts); short protein forms Y740H.
Identifiers: ClinVar variation 1935380 (VCV001935380.5), dbSNP rs2473207106, ClinGen allele CA355219386.
Genomic context (GRCh38, chr3:155,180,424, plus strand): 5'-ATTGGGACTTTGCAGAACTCTGCAGAGTTTTCAGAAGCCTTTCACTGCCGCAAGAATTCA[T>C]ACATGAATCCAGAAAAGAAGTGCCGGGTTTGGTGATCTTCAAAAGAAGCATTGCAGCCCT-3'
Protein context (NP_009220.2, residues 730-750): SEAFHCRKNS[Tyr740His]MNPEKKCRVW

ClinVar aggregate classification (germline): Uncertain significance (1 of 4 stars; one submission).

Submission:

Labcorp Genetics (formerly Invitae), Labcorp
Classification: Uncertain significance. Last evaluated: 2022-08-12. Review status: criteria provided, single submitter. Criteria: Invitae Variant Classification Sherloc (09022015). Collection method: clinical testing. Allele origin: germline.
Comment: In summary, the available evidence is currently insufficient to determine the role of this variant in disease. Therefore, it has been classified as a Variant of Uncertain Significance. Algorithms developed to predict the effect of missense changes on protein structure and function are either unavailable or do not agree on the potential impact of this missense change (SIFT: "Tolerated"; PolyPhen-2: "Probably Damaging"; Align-GVGD: "Class C0"). This variant has not been reported in the literature in individuals affected with MME-related conditions. This variant is not present in population databases (gnomAD no frequency). This sequence change replaces tyrosine, which is neutral and polar, with histidine, which is basic and polar, at codon 740 of the MME protein (p.Tyr740His).